The following is an entry in ClinVar:

ClinVar aggregate classification (germline): Pathogenic (1 of 4 stars; one submission).

Allele frequency attached by ClinVar (database versions not stated): gnomAD exomes below 0.00001.
gnomAD v4.1: 1 of 1,610,226 alleles (0.000062%); highest among the groups gnomAD compares: Non-Finnish European, 0.000085%; no homozygotes.

Submission:

Labcorp Genetics (formerly Invitae), Labcorp
Classification: Pathogenic. Last evaluated: 2023-02-23. Review status: criteria provided, single submitter. Criteria: Invitae Variant Classification Sherloc (09022015). Collection method: clinical testing. Allele origin: germline.
Comment: This variant is not present in population databases (gnomAD no frequency). This sequence change creates a premature translational stop signal (p.Gln265*) in the HPS4 gene. It is expected to result in an absent or disrupted protein product. Loss-of-function variants in HPS4 are known to be pathogenic (PMID: 12664304). This variant has not been reported in the literature in individuals affected with HPS4-related conditions. For these reasons, this variant has been classified as Pathogenic.

Literature cited by the submitters: PubMed 12664304.

NM_022081.6(HPS4):c.793C>T (p.Gln265Ter)

Gene: HPS4 (HPS4 biogenesis of lysosomal organelles complex 3 subunit 2; minus strand). Cytogenetic location: 22q12.1.
Variant type: single nucleotide variant.
Coding change: c.793C>T on transcript NM_022081.6 (MANE Select); coding-DNA position 793, C replaced by T.
Protein change: p.Gln265Ter; replaces glutamine 265 with a stop codon.
Molecular consequence: nonsense. On other transcripts: non-coding transcript variant (8).
Genome position (GRCh38, 1-based): chr22:26,465,465, G>A on the plus strand (C>T on the coding strand, the complement: HPS4 is on the minus strand). VCF-style: chr22-26465465-G-A. GRCh37 (hg19) VCF-style: chr22-26861431-G-A.
Other names: c.793C>T, p.Gln265Ter (NM_001349896.1, NM_001349898.2, NM_001349899.2 and 5 more transcripts); c.847C>T, p.Gln283Ter (NM_001349900.2, NM_001349901.1); c.778C>T, p.Gln260Ter (NM_152841.2); short protein forms Q265*, Q260*, Q283*.
Identifiers: ClinVar variation 2088207 (VCV002088207.4), dbSNP rs2518252276, ClinGen allele CA411028996.